The following is an entry in ClinVar:

ClinVar aggregate classification (germline): Uncertain significance (1 of 4 stars; one submission).

Conditions:
Succinate-semialdehyde dehydrogenase deficiency (SSADHD). Also called: Succinic Semialdehyde Dehydrogenase Deficiency; SSADH DEFICIENCY; GABA METABOLIC DEFECT; 4-HYDROXYBUTYRIC ACIDURIA. Identifiers: Orphanet 22, MedGen C0268631, MONDO:0010083, OMIM 271980.

Submission:

Labcorp Genetics (formerly Invitae), Labcorp
Classification: Uncertain significance for Succinate-semialdehyde dehydrogenase deficiency. Last evaluated: 2021-12-21. Review status: criteria provided, single submitter. Criteria: Invitae Variant Classification Sherloc (09022015). Collection method: clinical testing. Allele origin: germline.
Comment: In summary, the available evidence is currently insufficient to determine the role of this variant in disease. Therefore, it has been classified as a Variant of Uncertain Significance. Algorithms developed to predict the effect of missense changes on protein structure and function are either unavailable or do not agree on the potential impact of this missense change (SIFT: "Not Available"; PolyPhen-2: "Benign"; Align-GVGD: "Not Available"). This variant has not been reported in the literature in individuals affected with ALDH5A1-related conditions. Information on the frequency of this variant in the gnomAD database is not available, as this variant may be reported differently in the database. This sequence change replaces proline, which is neutral and non-polar, with valine, which is neutral and non-polar, at codon 182 of the ALDH5A1 protein (p.Pro182Val).

NM_001080.3(ALDH5A1):c.544_545delinsGT (p.Pro182Val)

Gene: ALDH5A1 (aldehyde dehydrogenase 5 family member A1; plus strand). Cytogenetic location: 6p22.3.
Variant type: Indel.
Coding change: c.544_545delinsGT on transcript NM_001080.3 (MANE Select); coding-DNA positions 544 to 545, CC replaced by GT.
Protein change: p.Pro182Val; replaces proline 182 with valine.
Molecular consequence: missense variant.
Genome position (GRCh38, 1-based): chr6:24,503,368-24,503,369, CC replaced by GT. VCF-style: chr6-24503368-CC-GT. GRCh37 (hg19) VCF-style: chr6-24503596-CC-GT.
Other names: c.544_545delinsGT, p.Pro182Val (NM_001368954.1, NM_170740.1); short protein forms P182V.
Identifiers: ClinVar variation 1418452 (VCV001418452.8), dbSNP rs2127382457, ClinGen allele CA2573140148.